The following is an entry in ClinVar:

NM_001109809.5(ZFP57):c.22A>G (p.Ile8Val)

Gene: ZFP57 (ZFP57 zinc finger protein; minus strand). Cytogenetic location: 6p22.1.
Variant type: single nucleotide variant.
Coding change: c.22A>G on transcript NM_001109809.5 (MANE Select); coding-DNA position 22, A replaced by G.
Protein change: p.Ile8Val; replaces isoleucine 8 with valine.
Molecular consequence: missense variant. On other transcripts: intron variant (1).
Genome position (GRCh38, 1-based): chr6:29,676,982, T>C on the plus strand (A>G on the coding strand, the complement: ZFP57 is on the minus strand). VCF-style: chr6-29676982-T-C. GRCh37 (hg19) VCF-style: chr6-29644759-T-C.
Other names: c.-93-923A>G (NM_001366333.2); c.22A>G (NM_001109809.2); short protein forms I8V.
Identifiers: ClinVar variation 1402863 (VCV001402863.7), dbSNP rs554258741, ClinGen allele CA3690921.

ClinVar aggregate classification (germline): Uncertain significance. Review status: criteria provided, multiple submitters, no conflicts (2 of 4 stars). 2 submissions from 2 submitters: Uncertain significance (2). Last evaluated 2025-04-21.

Conditions:
Inborn genetic diseases. Identifiers: MedGen C0950123, MeSH D030342.

Allele frequency attached by ClinVar (database versions not stated): gnomAD exomes below 0.00001 and 0.00001; TOPMed below 0.00001; ExAC 0.00001; gnomAD 0.00001; 1000 Genomes Project 30x 0.00016; 1000 Genomes Project 0.00020.
gnomAD v4.1: 6 of 1,614,216 alleles (0.00037%); highest among the groups gnomAD compares: Admixed American, 0.0067%; no homozygotes.

Submissions (2):

Ambry Genetics
Classification: Uncertain significance for Inborn genetic diseases. Last evaluated: 2025-04-21. Review status: criteria provided, single submitter. Criteria: Ambry Variant Classification Scheme 2023. Collection method: clinical testing. Allele origin: germline.

Labcorp Genetics (formerly Invitae), Labcorp
Classification: Uncertain significance. Last evaluated: 2021-10-24. Review status: criteria provided, single submitter. Criteria: Invitae Variant Classification Sherloc (09022015). Collection method: clinical testing. Allele origin: germline.
Comment: In summary, the available evidence is currently insufficient to determine the role of this variant in disease. Therefore, it has been classified as a Variant of Uncertain Significance. Algorithms developed to predict the effect of missense changes on protein structure and function output the following: SIFT: "Not Available"; PolyPhen-2: "Benign"; Align-GVGD: "Not Available". The valine amino acid residue is found in multiple mammalian species, which suggests that this missense change does not adversely affect protein function. This variant has not been reported in the literature in individuals affected with ZFP57-related conditions. This variant is present in population databases (rs554258741, gnomAD 0.006%). This sequence change replaces isoleucine, which is neutral and non-polar, with valine, which is neutral and non-polar, at codon 8 of the ZFP57 protein (p.Ile8Val).